The following is an entry in ClinVar:

ClinVar aggregate classification (germline): Uncertain significance (1 of 4 stars; one submission).

Conditions:
Long QT syndrome (LQTS). Identifiers: MedGen C0023976, MeSH D008133, MONDO:0002442. Disease mechanism: loss of function. Inheritance: Various modes of inheritance.

Allele frequency attached by ClinVar (database versions not stated): gnomAD exomes below 0.00001.
gnomAD v4.1: 2 of 1,614,190 alleles (0.00012%); highest among the groups gnomAD compares: Admixed American, 0.0017%; no homozygotes.

Submission:

Labcorp Genetics (formerly Invitae), Labcorp
Classification: Uncertain significance for Long QT syndrome. Last evaluated: 2017-04-11. Review status: criteria provided, single submitter. Criteria: Invitae Variant Classification Sherloc (09022015). Collection method: clinical testing. Allele origin: germline.
Comment: In summary, this variant is a novel missense change with uncertain impact on protein function. It has been classified as a Variant of Uncertain Significance. Algorithms developed to predict the effect of missense changes on protein structure and function do not agree on the potential impact of this missense change (SIFT: "Tolerated"; PolyPhen-2: "Probably Damaging"; Align-GVGD: "Class C0"). This variant is not present in population databases (ExAC no frequency) and has not been reported in the literature in individuals with a ANK2-related disease. This sequence change replaces glutamine with histidine at codon 2603 of the ANK2 protein (p.Gln2603His). The glutamine residue is moderately conserved and there is a small physicochemical difference between glutamine and histidine.

NM_001148.6(ANK2):c.7809A>C (p.Gln2603His)

Genes: ANK2 (ankyrin 2; plus strand), LOC126807137 (CDK7 strongly-dependent group 2 enhancer GRCh37_chr4:114276560-114277759; plus strand). Cytogenetic location: 4q26.
Variant type: single nucleotide variant.
Coding change: c.7809A>C on transcript NM_001148.6 (MANE Select); coding-DNA position 7809, A replaced by C.
Protein change: p.Gln2603His; replaces glutamine 2603 with histidine.
Molecular consequence: missense variant. On other transcripts: intron variant (68).
Genome position (GRCh38, 1-based): chr4:113,356,427, A>C. VCF-style: chr4-113356427-A-C. GRCh37 (hg19) VCF-style: chr4-114277583-A-C.
Other names: c.7575A>C, p.Gln2525His (NM_001386142.1); c.4209A>C, p.Gln1403His (NM_001386166.1); c.7950A>C, p.Gln2650His (NM_001386174.1); c.7926A>C, p.Gln2642His (NM_001386175.1); c.4412-4396A>C (NM_001386186.2, NM_001386148.2); c.4214-4396A>C (NM_001354269.3); c.4292-4396A>C (NM_001386187.2); c.4253-4396A>C (NM_001386147.1); and 35 more; short protein forms Q2603H, Q1403H, Q2525H, Q2642H, Q2650H.
Identifiers: ClinVar variation 457053 (VCV000457053.5), dbSNP rs1554561571, ClinGen allele CA357932190.